The following is an entry in ClinVar:

ClinVar aggregate classification (germline): Conflicting classifications of pathogenicity. Review status: criteria provided, conflicting classifications (1 of 4 stars). 2 submissions from 2 submitters: Uncertain significance (1); Likely benign (1). Last evaluated 2023-03-23.

Conditions:
Hereditary cancer-predisposing syndrome. Also called: Hereditary neoplastic syndrome; Hereditary Cancer Syndrome; Tumor predisposition; Neoplastic Syndromes, Hereditary. Identifiers: Orphanet 140162, MedGen C0027672, MeSH D009386, MONDO:0015356.

Allele frequency attached by ClinVar (database versions not stated): gnomAD exomes 0.00001 and below 0.00001; ExAC 0.00001.

Submissions (2):

University of Washington Department of Laboratory Medicine, University of Washington
Classification: Likely benign for Hereditary cancer-predisposing syndrome. Last evaluated: 2023-03-23. Review status: criteria provided, single submitter. Criteria: Dines et al. (Genet Med. 2020). Collection method: curation. Allele origin: germline.
Comment: Missense variant in a coldspot region where missense variants are very unlikely to be pathogenic (PMID:31911673).

BRCA1 coldspot (exon 11 using historical exon numbering). Reclassification based on statistical prior probability

Quest Diagnostics Nichols Institute San Juan Capistrano
Classification: Uncertain significance. Last evaluated: 2017-06-02. Review status: criteria provided, single submitter. Criteria: Quest Diagnostics criteria. Collection method: clinical testing. Allele origin: germline.

NM_007294.4(BRCA1):c.2269G>T (p.Val757Phe)

Gene: BRCA1 (BRCA1 DNA repair associated; minus strand). Cytogenetic location: 17q21.31.
Variant type: single nucleotide variant.
Coding change: c.2269G>T on transcript NM_007294.4 (MANE Select); coding-DNA position 2269, G replaced by T.
Protein change: p.Val757Phe; replaces valine 757 with phenylalanine.
Molecular consequence: missense variant. On other transcripts: intron variant (137).
Genome position (GRCh38, 1-based): chr17:43,093,262, C>A on the plus strand (G>T on the coding strand, the complement: BRCA1 is on the minus strand). VCF-style: chr17-43093262-C-A. GRCh37 (hg19) VCF-style: chr17-41245279-C-A.
Other names: c.2056G>T, p.Val686Phe (NM_001407571.1, NM_001407853.1, NM_001407894.1 and 9 more transcripts); c.2269G>T, p.Val757Phe (NM_001407581.1, NM_001407582.1, NM_001407583.1 and 30 more transcripts); c.2266G>T, p.Val756Phe (NM_001407587.1, NM_001407590.1, NM_001407591.1 and 22 more transcripts); c.2260G>T, p.Val754Phe (NM_001407646.1, NM_001407647.1); c.2146G>T, p.Val716Phe (NM_001407648.1, NM_001407664.1, NM_001407665.1 and 19 more transcripts); c.2143G>T, p.Val715Phe (NM_001407649.1, NM_001407670.1, NM_001407671.1 and 11 more transcripts); c.2191G>T, p.Val731Phe (NM_001407653.1, NM_001407654.1, NM_001407655.1 and 4 more transcripts); c.2188G>T, p.Val730Phe (NM_001407659.1, NM_001407660.1, NM_001407661.1 and 1 more transcripts); and 41 more; short protein forms V757F, V710F, V461F, V668F, V687F, V709F, V716F, V730F.
Identifiers: ClinVar variation 438918 (VCV000438918.5), dbSNP rs772617029, ClinGen allele CA058703.